The following is an entry in ClinVar:

ClinVar aggregate classification (germline): Likely benign (1 of 4 stars; one submission).

Submission:

CeGaT Center for Human Genetics Tuebingen
Classification: Likely benign. Last evaluated: 2022-09-01. Review status: criteria provided, single submitter. Criteria: CeGaT Center For Human Genetics Tuebingen Variant Classification Criteria Version 2. Collection method: clinical testing. Allele origin: germline. Affected: yes. Observed: 1 variant allele.
Comment: ZNG1F: PM2:Supporting, BP4, BP7; ZNG1F: PM2:Supporting, BP4, BP7

NM_001085457.2(ZNG1F):c.318T>G (p.Gly106=)

Gene: ZNG1F (Zn regulated GTPase metalloprotein activator 1F; minus strand). Cytogenetic location: 9p11.2.
Variant type: single nucleotide variant.
Coding change: c.318T>G on transcript NM_001085457.2 (MANE Select); coding-DNA position 318, T replaced by G.
Protein change: p.Gly106=; no amino-acid change (glycine 106 retained).
Molecular consequence: synonymous variant. On other transcripts: non-coding transcript variant (1).
Genome position (GRCh38, 1-based): chr9:41,183,584, A>C on the plus strand (T>G on the coding strand, the complement: ZNG1F is on the minus strand). VCF-style: chr9-41183584-A-C. GRCh37 (hg19) VCF-style: chr9-69256813-A-C.
Other names: c.318T>G, p.Gly106= (NM_001386876.1, NM_001386877.1).
Identifiers: ClinVar variation 2659230 (VCV002659230.23), dbSNP rs1427986567, ClinGen allele CA465160538.